The following is an entry in ClinVar:

ClinVar aggregate classification (germline): Benign. Review status: criteria provided, multiple submitters, no conflicts (2 of 4 stars). 3 submissions from 3 submitters: Benign (2). 1 of the submissions does not count toward it. Last evaluated 2026-02-02.

Conditions:
Epidermolysis bullosa dystrophica. Also called: Dystrophic epidermolysis bullosa, Hallopeau-Siemens type (formerly); Dystrophic epidermolysis bullosa. Identifiers: Orphanet 303, MedGen C0079294, MONDO:0006543.

Allele frequency attached by ClinVar (database versions not stated): gnomAD 0.00024 and 0.00034; TOPMed 0.00036; gnomAD exomes 0.00086; ExAC 0.00159; 1000 Genomes Project 30x 0.00187; 1000 Genomes Project 0.00220.
gnomAD v4.1: 462 of 1,570,282 alleles (0.029%); highest among the groups gnomAD compares: East Asian, 0.9%; 3 homozygotes.

Submissions (3):

Labcorp Genetics (formerly Invitae), Labcorp
Classification: Benign. Last evaluated: 2026-02-02. Review status: criteria provided, single submitter. Criteria: Invitae Variant Classification Sherloc (09022015). Collection method: clinical testing. Allele origin: germline.

Illumina Laboratory Services, Illumina
Classification: Benign for Dystrophic epidermolysis bullosa. Last evaluated: 2018-01-13. Review status: criteria provided, single submitter. Criteria: ICSL Variant Classification Criteria 13 December 2019. Collection method: clinical testing. Allele origin: germline.
Comment: This variant was observed in the ICSL laboratory as part of a predisposition screen in an ostensibly healthy population. It had not been previously curated by ICSL or reported in the Human Gene Mutation Database (HGMD: prior to June 1st, 2018), and was therefore a candidate for classification through an automated scoring system. Utilizing variant allele frequency, disease prevalence and penetrance estimates, and inheritance mode, an automated score was calculated to assess if this variant is too frequent to cause the disease. Based on the score and internal cut-off values, a variant classified as benign is not then subjected to further curation. The score for this variant resulted in a classification of benign for this disease.

Natera, Inc.
Classification: Benign for Dystrophic epidermolysis bullosa. Last evaluated: 2020-06-04. Review status: no assertion criteria provided. Collection method: clinical testing. Allele origin: germline. Not counted in ClinVar's aggregate classification.

NM_000094.4(COL7A1):c.7687-6C>T

Gene: COL7A1 (collagen type VII alpha 1 chain; minus strand). Cytogenetic location: 3p21.31.
Variant type: single nucleotide variant.
Coding change: c.7687-6C>T on transcript NM_000094.4 (MANE Select); 6 bases into the intron before coding-DNA position 7687, C replaced by T.
Molecular consequence: intron variant.
Genome position (GRCh38, 1-based): chr3:48,568,861, G>A on the plus strand (C>T on the coding strand, the complement: COL7A1 is on the minus strand). VCF-style: chr3-48568861-G-A. GRCh37 (hg19) VCF-style: chr3-48606294-G-A.
Identifiers: ClinVar variation 345804 (VCV000345804.15), dbSNP rs200429526, ClinGen allele CA2378347.